The following is an entry in ClinVar:

Single allele

Genes: A-GAMMA3'E (A-gamma-globin 3' regulatory region; plus strand), BGLT3 (beta globin locus transcript 3; minus strand), HBE1 (hemoglobin subunit epsilon 1; minus strand), HBG1 (hemoglobin subunit gamma 1; minus strand), HBG2 (hemoglobin subunit gamma 2; minus strand) and 4 more. Cytogenetic location: 11p15.4.
Variant type: Deletion.
Identifiers: ClinVar variation 3255365 (VCV003255365.2).

ClinVar aggregate classification (germline): Pathogenic (0 of 4 stars; one submission).

Conditions:
Beta-thalassemia HBB/LCRB. Identifiers: MedGen CN322236, MONDO:0013517, OMIM 613985.

Submission:

MOLECULAR BIOLOGY AND HUMAN GENETICS DIVISION, THE UNIVERSITY OF BURDWAN
Classification: Pathogenic for Beta-thalassemia HBB/LCRB. Last evaluated: 2022-07-26. Review status: no assertion criteria provided. Collection method: clinical testing. Allele origin: germline. Inheritance: Autosomal recessive inheritance. Affected: yes. Observed: 1 variant allele, 1 compound heterozygote.
Comment: The variant causes long deletion in HBB;HBD; HBG1;HBG2 and HBE1 genomic region. When this variant present with another variant in HBB gene that causes severe anemia, patient require frequent transfusion in few cases Hepatosplenomegaly was observed